The following is an entry in ClinVar:

ClinVar aggregate classification (germline): Conflicting classifications of pathogenicity. Review status: criteria provided, conflicting classifications (1 of 4 stars). 3 submissions from 3 submitters: Uncertain significance (2); Likely benign (1). Last evaluated 2026-01-22.

Conditions:
Inborn genetic diseases. Identifiers: MedGen C0950123, MeSH D030342.
ESPN-related disorder. Also called: ESPN-related condition.

Allele frequency attached by ClinVar (database versions not stated): gnomAD exomes 0.00003; gnomAD 0.00018 and 0.00019; TOPMed 0.00032; 1000 Genomes Project 30x 0.00062.
gnomAD v4.1: 59 of 1,241,388 alleles (0.0048%); highest among the groups gnomAD compares: African/African-American, 0.083%; no homozygotes.

Submissions (3):

PreventionGenetics, part of Exact Sciences
Classification: Uncertain significance for ESPN-related condition. Last evaluated: 2026-01-22. Review status: criteria provided, single submitter. Criteria: ACMG Guidelines, 2015. Collection method: clinical testing. Allele origin: germline.
Comment: The ESPN c.1646C>T variant is predicted to result in the amino acid substitution p.Ala549Val. To our knowledge, this variant has not been reported in the literature. This variant is reported in 0.11% of alleles in individuals of African descent in gnomAD. Although we suspect that this variant may be benign, at this time, the clinical significance of this variant is uncertain due to the absence of conclusive functional and genetic evidence.

Ambry Genetics
Classification: Uncertain significance for Inborn genetic diseases. Last evaluated: 2021-10-20. Review status: criteria provided, single submitter. Criteria: Ambry Variant Classification Scheme 2023. Collection method: clinical testing. Allele origin: germline.

GeneDx
Classification: Likely benign. Last evaluated: 2021-02-02. Review status: criteria provided, single submitter. Criteria: GeneDx Variant Classification Process June 2021. Collection method: clinical testing. Allele origin: germline. Affected: yes.

NM_031475.3(ESPN):c.1646C>T (p.Ala549Val)

Gene: ESPN (espin; plus strand). Cytogenetic location: 1p36.31.
Variant type: single nucleotide variant.
Coding change: c.1646C>T on transcript NM_031475.3 (MANE Select); coding-DNA position 1646, C replaced by T.
Protein change: p.Ala549Val; replaces alanine 549 with valine.
Molecular consequence: missense variant. On other transcripts: intron variant (2).
Genome position (GRCh38, 1-based): chr1:6,448,822, C>T. VCF-style: chr1-6448822-C-T. GRCh37 (hg19) VCF-style: chr1-6508882-C-T.
Other names: c.1626+20C>T (NM_001367474.1, NM_001367473.1); short protein forms A549V.
Identifiers: ClinVar variation 1254031 (VCV001254031.6), dbSNP rs984812540, ClinGen allele CA17211680.